The following is an entry in ClinVar:

ClinVar aggregate classification (germline): Uncertain significance (0 of 4 stars; one submission).

Conditions:
TTC8-related disorder. Also called: TTC8-related condition.

gnomAD v4.1: 1 of 1,614,084 alleles (0.000062%); highest among the groups gnomAD compares: Non-Finnish European, 0.000085%; no homozygotes.

Submission:

PreventionGenetics, part of Exact Sciences
Classification: Uncertain significance for TTC8-related condition. Last evaluated: 2024-09-03. Review status: no assertion criteria provided. Collection method: clinical testing. Allele origin: germline.
Comment: The TTC8 c.451A>G variant is predicted to result in the amino acid substitution p.Ile151Val. To our knowledge, this variant has not been reported in the literature or in a large population database, indicating this variant is rare. At this time, the clinical significance of this variant is uncertain due to the absence of conclusive functional and genetic evidence.

NM_144596.4(TTC8):c.451A>G (p.Ile151Val)

Gene: TTC8 (tetratricopeptide repeat domain 8; plus strand). Cytogenetic location: 14q31.3.
Variant type: single nucleotide variant.
Coding change: c.451A>G on transcript NM_144596.4 (MANE Select); coding-DNA position 451, A replaced by G.
Protein change: p.Ile151Val; replaces isoleucine 151 with valine.
Molecular consequence: missense variant. On other transcripts: 5 prime UTR variant (2), non-coding transcript variant (1).
Genome position (GRCh38, 1-based): chr14:88,841,158, A>G. VCF-style: chr14-88841158-A-G. GRCh37 (hg19) VCF-style: chr14-89307502-A-G.
Other names: c.421A>G, p.Ile141Val (NM_001288781.1, NM_001366535.2, NM_001366536.2 and 2 more transcripts); c.-142A>G (NM_001288782.1); c.-237A>G (NM_001288783.1); short protein forms I141V, I151V.
Identifiers: ClinVar variation 3354909 (VCV003354909.1).